The following is an entry in ClinVar:

NM_001845.6(COL4A1):c.4588C>T (p.Pro1530Ser)

Gene: COL4A1 (collagen type IV alpha 1 chain; minus strand). Cytogenetic location: 13q34.
Variant type: single nucleotide variant.
Coding change: c.4588C>T on transcript NM_001845.6 (MANE Select); coding-DNA position 4588, C replaced by T.
Protein change: p.Pro1530Ser; replaces proline 1530 with serine.
Molecular consequence: missense variant.
Genome position (GRCh38, 1-based): chr13:110,161,244, G>A on the plus strand (C>T on the coding strand, the complement: COL4A1 is on the minus strand). VCF-style: chr13-110161244-G-A. GRCh37 (hg19) VCF-style: chr13-110813591-G-A.
Other names: short protein forms P1530S.
Identifiers: ClinVar variation 2507075 (VCV002507075.4), dbSNP rs1294258497, ClinGen allele CA388657187.

ClinVar aggregate classification (germline): Uncertain significance. Review status: criteria provided, multiple submitters, no conflicts (2 of 4 stars). 2 submissions from 2 submitters: Uncertain significance (2). Last evaluated 2024-10-23.

Allele frequency attached by ClinVar (database versions not stated): TOPMed below 0.00001; gnomAD 0.00001; gnomAD exomes 0.00001.
gnomAD v4.1: 4 of 1,614,082 alleles (0.00025%); highest among the groups gnomAD compares: Non-Finnish European, 0.00034%; no homozygotes.

Submissions (2):

Labcorp Genetics (formerly Invitae), Labcorp
Classification: Uncertain significance. Last evaluated: 2024-10-23. Review status: criteria provided, single submitter. Criteria: Invitae Variant Classification Sherloc (09022015). Collection method: clinical testing. Allele origin: germline.
Comment: This sequence change replaces proline, which is neutral and non-polar, with serine, which is neutral and polar, at codon 1530 of the COL4A1 protein (p.Pro1530Ser). This variant is present in population databases (no rsID available, gnomAD 0.007%). This variant has not been reported in the literature in individuals affected with COL4A1-related conditions. ClinVar contains an entry for this variant (Variation ID: 2507075). Invitae Evidence Modeling of protein sequence and biophysical properties (such as structural, functional, and spatial information, amino acid conservation, physicochemical variation, residue mobility, and thermodynamic stability) indicates that this missense variant is not expected to disrupt COL4A1 protein function with a negative predictive value of 95%. In summary, the available evidence is currently insufficient to determine the role of this variant in disease. Therefore, it has been classified as a Variant of Uncertain Significance.

GeneDx
Classification: Uncertain significance. Last evaluated: 2022-12-30. Review status: criteria provided, single submitter. Criteria: GeneDx Variant Classification Process June 2021. Collection method: clinical testing. Allele origin: germline. Affected: yes.
Comment: Not observed at significant frequency in large population cohorts (gnomAD); In silico analysis supports that this missense variant has a deleterious effect on protein structure/function; Has not been previously published as pathogenic or benign to our knowledge